The following is an entry in ClinVar:

ClinVar aggregate classification (germline): Conflicting classifications of pathogenicity. Review status: criteria provided, conflicting classifications (1 of 4 stars). 2 submissions from 2 submitters: Uncertain significance (1); Likely benign (1). Last evaluated 2026-05-11.

Conditions:
Hereditary cancer-predisposing syndrome. Also called: Neoplastic Syndromes, Hereditary; Tumor predisposition; Hereditary Cancer Syndrome; Hereditary neoplastic syndrome. Identifiers: Orphanet 140162, MedGen C0027672, MeSH D009386, MONDO:0015356.
Tuberous sclerosis 2 (TSC2). Identifiers: Orphanet 805, MedGen C1860707, MONDO:0013199, OMIM 613254.

Allele frequency attached by ClinVar (database versions not stated): gnomAD exomes below 0.00001.
gnomAD v4.1: 2 of 1,613,940 alleles (0.00012%); highest among the groups gnomAD compares: Non-Finnish European, 0.000085%; no homozygotes.

Submissions (2):

Ambry Genetics
Classification: Uncertain significance for Hereditary cancer-predisposing syndrome. Last evaluated: 2026-05-11. Review status: criteria provided, single submitter. Criteria: Ambry Variant Classification Scheme 2023. Collection method: clinical testing. Allele origin: germline.
Comment: The c.1074G>C (p.W358C) alteration is located in exon 11 (coding exon 10) of the TSC2 gene. This alteration results from a G to C substitution at nucleotide position 1074, causing the tryptophan (W) at amino acid position 358 to be replaced by a cysteine (C). Based on data from gnomAD, the C allele has an overall frequency of <0.001% (1/251138) total alleles studied. The highest observed frequency was 0.001% (1/113506) of European (non-Finnish) alleles. Based on insufficient or conflicting evidence, the clinical significance of this alteration remains unclear.

Labcorp Genetics (formerly Invitae), Labcorp
Classification: Likely benign for Tuberous sclerosis 2. Last evaluated: 2022-12-06. Review status: criteria provided, single submitter. Criteria: Invitae Variant Classification Sherloc (09022015). Collection method: clinical testing. Allele origin: germline.

NM_000548.5(TSC2):c.1074G>C (p.Trp358Cys)

Gene: TSC2 (TSC complex subunit 2; plus strand). Cytogenetic location: 16p13.3.
Variant type: single nucleotide variant.
Coding change: c.1074G>C on transcript NM_000548.5 (MANE Select); coding-DNA position 1074, G replaced by C.
Protein change: p.Trp358Cys; replaces tryptophan 358 with cysteine.
Molecular consequence: missense variant. On other transcripts: 5 prime UTR variant (10), non-coding transcript variant (5).
Genome position (GRCh38, 1-based): chr16:2,060,768, G>C. VCF-style: chr16-2060768-G-C. GRCh37 (hg19) VCF-style: chr16-2110769-G-C.
Other names: c.1074G>C, p.Trp358Cys (NM_001077183.3, NM_001114382.3, NM_001363528.2 and 6 more transcripts); c.963G>C, p.Trp321Cys (NM_001318827.2, NM_001406670.1, NM_001406678.1); c.927G>C, p.Trp309Cys (NM_001318829.2, NM_001406675.1, NM_001406676.1 and 1 more transcripts); c.474G>C, p.Trp158Cys (NM_001318831.2, NM_001406682.1, NM_001406683.1 and 6 more transcripts); c.1107G>C, p.Trp369Cys (NM_001318832.2); c.1164G>C, p.Trp388Cys (NM_001406667.1, NM_001406668.1); c.-358G>C (NM_001406689.1, NM_001406690.1, NM_001406691.1 and 4 more transcripts); c.-239G>C (NM_001406694.1, NM_001406695.1); and 4 more; short protein forms W321C, W354C, W204C, W339C, W158C, W358C, W369C, W388C.
Identifiers: ClinVar variation 2497440 (VCV002497440.6), dbSNP rs1229561585, ClinGen allele CA394317996.
Genomic context (GRCh38, chr16:2,060,768, plus strand): 5'-CGTCCTGTCCATCACCAGGCTCATCAAGAAGTATAGGAAGGAGCTCCAGGTGGTGGCGTG[G>C]GACATTCTGCTGAACATCATCGAACGGCTCCTTCAGCAGCTCCAGGTGGGGTGGGGGCAG-3'
Protein context (NP_000539.2, residues 348-368): KYRKELQVVA[Trp358Cys]DILLNIIERL